The following is an entry in ClinVar:

NM_014915.3(ANKRD26):c.2514A>C (p.Gln838His)

Gene: ANKRD26 (ankyrin repeat domain containing 26; minus strand). Cytogenetic location: 10p12.1.
Variant type: single nucleotide variant.
Coding change: c.2514A>C on transcript NM_014915.3 (MANE Select); coding-DNA position 2514, A replaced by C.
Protein change: p.Gln838His; replaces glutamine 838 with histidine.
Molecular consequence: missense variant.
Genome position (GRCh38, 1-based): chr10:27,037,916, T>G on the plus strand (A>C on the coding strand, the complement: ANKRD26 is on the minus strand). VCF-style: chr10-27037916-T-G. GRCh37 (hg19) VCF-style: chr10-27326845-T-G.
Other names: c.2511A>C, p.Gln837His (NM_001256053.2); short protein forms Q837H, Q838H.
Identifiers: ClinVar variation 4104379 (VCV004104379.1).

ClinVar aggregate classification (germline): Uncertain significance (1 of 4 stars; one submission).

Conditions:
Inborn genetic diseases. Identifiers: MedGen C0950123, MeSH D030342.

gnomAD v4.1: 6 of 1,613,292 alleles (0.00037%); highest among the groups gnomAD compares: Non-Finnish European, 0.00051%; no homozygotes.

Submission:

Ambry Genetics
Classification: Uncertain significance for Inborn genetic diseases. Last evaluated: 2025-08-20. Review status: criteria provided, single submitter. Criteria: Ambry Variant Classification Scheme 2023. Collection method: clinical testing. Allele origin: germline.
Comment: The p.Q838H variant (also known as c.2514A>C), located in coding exon 22 of the ANKRD26 gene, results from an A to C substitution at nucleotide position 2514. The glutamine at codon 838 is replaced by histidine, an amino acid with highly similar properties. This amino acid position is conserved. In addition, this alteration is predicted to be tolerated by in silico analysis. Based on the available evidence, the clinical significance of this variant remains unclear.